The following is an entry in ClinVar:

ClinVar aggregate classification (germline): Uncertain significance. Review status: criteria provided, multiple submitters, no conflicts (2 of 4 stars). 4 submissions from 4 submitters: Uncertain significance (4). Last evaluated 2026-04-29.

Conditions:
WNK1-related disorder. Also called: WNK1-related condition.
Pseudohypoaldosteronism type 2C (PHA2C). Also called: Pseudohypoaldosteronism Type IIC. Identifiers: Orphanet 757, Orphanet 88940, MedGen C1840391, MONDO:0013778, OMIM 614492.
Neuropathy, hereditary sensory and autonomic, type 2A (HSAN2A). Also called: ACROOSTEOLYSIS, GIACCAI TYPE; ACROOSTEOLYSIS, NEUROGENIC; MORVAN DISEASE; WNK1-Related HSAN2 (HSAN2A); NEUROPATHY, CONGENITAL SENSORY; NEUROPATHY, HEREDITARY SENSORY RADICULAR, AUTOSOMAL RECESSIVE. Identifiers: Orphanet 970, MedGen C2752089, MONDO:0024309, OMIM 201300.

Allele frequency attached by ClinVar (database versions not stated): gnomAD 0.00001; TOPMed 0.00001; ExAC 0.00002; gnomAD exomes 0.00002.
gnomAD v4.1: 15 of 1,613,748 alleles (0.00093%); highest among the groups gnomAD compares: Non-Finnish European, 0.0012%; no homozygotes.

Submissions (4):

PreventionGenetics, part of Exact Sciences
Classification: Uncertain significance for WNK1-related condition. Last evaluated: 2026-04-29. Review status: criteria provided, single submitter. Criteria: ACMG Guidelines, 2015. Collection method: clinical testing. Allele origin: germline.
Comment: The WNK1 c.6670G>T variant is predicted to result in the amino acid substitution p.Ala2224Ser. To our knowledge, this variant has not been reported in the literature. This variant is reported in 0.0044% of alleles in individuals of European (non-Finnish) descent in gnomAD. At this time, the clinical significance of this variant is uncertain due to the absence of conclusive functional and genetic evidence.

Blueprint Genetics
Classification: Uncertain significance. Last evaluated: 2024-10-26. Review status: criteria provided, single submitter. Criteria: ACMG Guidelines, 2015. Collection method: clinical testing. Allele origin: germline.

Labcorp Genetics (formerly Invitae), Labcorp
Classification: Uncertain significance for Neuropathy, hereditary sensory and autonomic, type 2A; Pseudohypoaldosteronism type 2C. Last evaluated: 2023-07-29. Review status: criteria provided, single submitter. Criteria: Invitae Variant Classification Sherloc (09022015). Collection method: clinical testing. Allele origin: germline.
Comment: This sequence change replaces alanine, which is neutral and non-polar, with serine, which is neutral and polar, at codon 2476 of the WNK1 protein (p.Ala2476Ser). This variant is present in population databases (rs763836773, gnomAD 0.004%). This variant has not been reported in the literature in individuals affected with WNK1-related conditions. ClinVar contains an entry for this variant (Variation ID: 848244). Advanced modeling of protein sequence and biophysical properties (such as structural, functional, and spatial information, amino acid conservation, physicochemical variation, residue mobility, and thermodynamic stability) performed at Invitae indicates that this missense variant is not expected to disrupt WNK1 protein function. In summary, the available evidence is currently insufficient to determine the role of this variant in disease. Therefore, it has been classified as a Variant of Uncertain Significance.

Fulgent Genetics
Classification: Uncertain significance for Neuropathy, hereditary sensory and autonomic, type 2A; Pseudohypoaldosteronism type 2C. Last evaluated: 2021-07-08. Review status: criteria provided, single submitter. Criteria: ACMG Guidelines, 2015. Collection method: clinical testing. Allele origin: unknown.

NM_018979.4(WNK1):c.6670G>T (p.Ala2224Ser)

Gene: WNK1 (WNK lysine deficient protein kinase 1; plus strand). Cytogenetic location: 12p13.33.
Variant type: single nucleotide variant.
Coding change: c.6670G>T on transcript NM_018979.4 (MANE Select); coding-DNA position 6670, G replaced by T.
Protein change: p.Ala2224Ser; replaces alanine 2224 with serine.
Molecular consequence: missense variant.
Genome position (GRCh38, 1-based): chr12:907,873, G>T. VCF-style: chr12-907873-G-T. GRCh37 (hg19) VCF-style: chr12-1017039-G-T.
Other names: c.7450G>T, p.Ala2484Ser (NM_001184985.2); c.5926G>T, p.Ala1976Ser (NM_014823.3); c.7426G>T, p.Ala2476Ser (NM_213655.5); c.6670G>T (NM_018979.3); short protein forms A1976S, A2476S, A2224S, A2484S.
Identifiers: ClinVar variation 848244 (VCV000848244.12), dbSNP rs763836773, ClinGen allele CA6383470.